The following is an entry in ClinVar:

NM_001375380.1(EBF3):c.1357C>T (p.Gln453Ter)

Gene: EBF3 (EBF transcription factor 3; minus strand). Cytogenetic location: 10q26.3.
Variant type: single nucleotide variant.
Coding change: c.1357C>T on transcript NM_001375380.1 (MANE Select); coding-DNA position 1357, C replaced by T.
Protein change: p.Gln453Ter; replaces glutamine 453 with a stop codon.
Molecular consequence: nonsense.
Genome position (GRCh38, 1-based): chr10:129,842,131, G>A on the plus strand (C>T on the coding strand, the complement: EBF3 is on the minus strand). VCF-style: chr10-129842131-G-A. GRCh37 (hg19) VCF-style: chr10-131640395-G-A.
Other names: c.1330C>T, p.Gln444Ter (NM_001005463.3, NM_001375390.1, NM_001375392.1); c.1357C>T, p.Gln453Ter (NM_001375379.1, NM_001375389.1, NM_001375391.1); short protein forms Q444*, Q453*.
Identifiers: ClinVar variation 620233 (VCV000620233.1), dbSNP rs1172303286, ClinGen allele CA378719807.
Genomic context (GRCh38, chr10:129,842,131, plus strand): 5'-TCGGAGGGCGTTCAGGGCAGGGGTCCTCCCAGCATGCTGGCATACCTTGGTCGTTGGCTT[G>A]TGACGTCTCTGACACGTTGACGGCTAGCTGGCTGCTGAAGGAGTTGACGCCCATCATGCC-3'

ClinVar aggregate classification (germline): Likely pathogenic (1 of 4 stars; one submission).

Submission:

GeneDx
Classification: Likely pathogenic. Last evaluated: 2018-06-18. Review status: criteria provided, single submitter. Criteria: GeneDx Variant Classification (06012015). Collection method: clinical testing. Allele origin: germline. Affected: yes.
Comment: he Q444X variant in the EBF3 gene has not been reported previously as a pathogenic variant nor as a benign variant to our knowledge. The Q444X variant is not observed in large population cohorts (Lek et al., 2016). This variant is predicted to cause loss of normal protein function either through protein truncation or nonsense-mediated mRNA decay. The Q444X variant in the EBF3 gene is considered a likely pathogenic variant.